The following is an entry in ClinVar:

NM_001330260.2(SCN8A):c.3040A>G (p.Lys1014Glu)

Gene: SCN8A (sodium voltage-gated channel alpha subunit 8; plus strand). Cytogenetic location: 12q13.13.
Variant type: single nucleotide variant.
Coding change: c.3040A>G on transcript NM_001330260.2 (MANE Select); coding-DNA position 3040, A replaced by G.
Protein change: p.Lys1014Glu; replaces lysine 1014 with glutamic acid.
Molecular consequence: missense variant.
Genome position (GRCh38, 1-based): chr12:51,769,003, A>G. VCF-style: chr12-51769003-A-G. GRCh37 (hg19) VCF-style: chr12-52162787-A-G.
Other names: c.3040A>G, p.Lys1014Glu (NM_001177984.3, NM_001369788.1, NM_014191.4); short protein forms K1014E.
Identifiers: ClinVar variation 1320842 (VCV001320842.8), dbSNP rs1019969857, ClinGen allele CA236318521.
Genomic context (GRCh38, chr12:51,769,003, plus strand): 5'-ATGAACAACCTCCAGATCTCAGTGATCCGTATCAAGAAGGGTGTGGCCTGGACCAAACTA[A>G]AGGTGCACGCCTTCATGCAGGCCCACTTTAAGCAGCGTGAGGCTGATGAGGTGAAGCCTC-3'
Protein context (NP_001317189.1, residues 1004-1024): IKKGVAWTKL[Lys1014Glu]VHAFMQAHFK

ClinVar aggregate classification (germline): Uncertain significance. Review status: criteria provided, multiple submitters, no conflicts (2 of 4 stars). 2 submissions from 2 submitters: Uncertain significance (2). Last evaluated 2024-04-03.

Conditions:
Early-infantile DEE. Also called: Ohtahara syndrome; Early infantile epileptic encephalopathy; Early infantile epileptic encephalopathy with suppression bursts. Identifiers: Orphanet 1934, MedGen C0393706, MONDO:0800491.

Allele frequency attached by ClinVar (database versions not stated): gnomAD 0.00001; TOPMed 0.00001.
gnomAD v4.1: 1 of 1,613,900 alleles (0.000062%); highest among the groups gnomAD compares: Admixed American, 0.0017%; no homozygotes.

Submissions (2):

Labcorp Genetics (formerly Invitae), Labcorp
Classification: Uncertain significance for Early-infantile DEE. Last evaluated: 2024-04-03. Review status: criteria provided, single submitter. Criteria: Invitae Variant Classification Sherloc (09022015). Collection method: clinical testing. Allele origin: germline.
Comment: This sequence change replaces lysine, which is basic and polar, with glutamic acid, which is acidic and polar, at codon 1014 of the SCN8A protein (p.Lys1014Glu). This variant is not present in population databases (gnomAD no frequency). This variant has not been reported in the literature in individuals affected with SCN8A-related conditions. ClinVar contains an entry for this variant (Variation ID: 1320842). Advanced modeling of protein sequence and biophysical properties (such as structural, functional, and spatial information, amino acid conservation, physicochemical variation, residue mobility, and thermodynamic stability) performed at Invitae indicates that this missense variant is not expected to disrupt SCN8A protein function with a negative predictive value of 95%. In summary, the available evidence is currently insufficient to determine the role of this variant in disease. Therefore, it has been classified as a Variant of Uncertain Significance.

GeneDx
Classification: Uncertain significance. Last evaluated: 2020-06-24. Review status: criteria provided, single submitter. Criteria: GeneDx Variant Classification Process June 2021. Collection method: clinical testing. Allele origin: germline. Affected: yes.
Comment: Not observed in large population cohorts (Lek et al., 2016); Missense variants in this gene are often considered pathogenic (Stenson et al., 2014); In silico analysis supports that this missense variant does not alter protein structure/function; Has not been previously published as pathogenic or benign to our knowledge